The following is an entry in ClinVar:

ClinVar aggregate classification (germline): Uncertain significance (1 of 4 stars; one submission).

Conditions:
Hereditary cancer-predisposing syndrome. Also called: Neoplastic Syndromes, Hereditary; Tumor predisposition; Hereditary Cancer Syndrome; Hereditary neoplastic syndrome. Identifiers: Orphanet 140162, MedGen C0027672, MeSH D009386, MONDO:0015356.

Submission:

Ambry Genetics
Classification: Uncertain significance for Hereditary cancer-predisposing syndrome. Last evaluated: 2026-03-29. Review status: criteria provided, single submitter. Criteria: Ambry Variant Classification Scheme 2023. Collection method: clinical testing. Allele origin: germline.
Comment: The p.V678G variant (also known as c.2033T>G), located in coding exon 13 of the CDH1 gene, results from a T to G substitution at nucleotide position 2033. The valine at codon 678 is replaced by glycine, an amino acid with dissimilar properties. This amino acid position is conserved. In addition, the in silico prediction for this alteration is inconclusive. Based on the available evidence, the clinical significance of this variant remains unclear.

NM_004360.5(CDH1):c.2033T>G (p.Val678Gly)

Gene: CDH1 (cadherin 1; plus strand). Cytogenetic location: 16q22.1.
Variant type: single nucleotide variant.
Coding change: c.2033T>G on transcript NM_004360.5 (MANE Select); coding-DNA position 2033, T replaced by G.
Protein change: p.Val678Gly; replaces valine 678 with glycine.
Molecular consequence: missense variant.
Genome position (GRCh38, 1-based): chr16:68,823,495, T>G. VCF-style: chr16-68823495-T-G. GRCh37 (hg19) VCF-style: chr16-68857398-T-G.
Other names: c.1850T>G, p.Val617Gly (NM_001317184.2); c.485T>G, p.Val162Gly (NM_001317185.2); c.68T>G, p.Val23Gly (NM_001317186.2); short protein forms V23G, V678G, V162G, V617G.
Identifiers: ClinVar variation 4632894 (VCV004632894.2).